The following is an entry in ClinVar:

ClinVar aggregate classification (germline): Conflicting classifications of pathogenicity. Review status: criteria provided, conflicting classifications (1 of 4 stars). 5 submissions from 5 submitters: Uncertain significance (2); Likely benign (3). Last evaluated 2025-10-15.

Conditions:
Platelet-type bleeding disorder 15 (BDPLT15). Also called: MACROTHROMBOCYTOPENIA, AUTOSOMAL DOMINANT, ACTN1-RELATED. Identifiers: Orphanet 140957, MedGen C3554663, MONDO:0014078, OMIM 615193.

Allele frequency attached by ClinVar (database versions not stated): TOPMed 0.00023; gnomAD 0.00033 and 0.00034; ESP Exome Variant Server 0.00038.
gnomAD v4.1: 744 of 1,613,830 alleles (0.046%); highest among the groups gnomAD compares: Non-Finnish European, 0.06%; no homozygotes.

Submissions (5):

Labcorp Genetics (formerly Invitae), Labcorp
Classification: Uncertain significance. Last evaluated: 2025-10-15. Review status: criteria provided, single submitter. Criteria: Invitae Variant Classification Sherloc (09022015). Collection method: clinical testing. Allele origin: germline.
Comment: This sequence change replaces glycine, which is neutral and non-polar, with arginine, which is basic and polar, at codon 194 of the ACTN1 protein (p.Gly194Arg). This variant is present in population databases (rs145918825, gnomAD 0.04%), and has an allele count higher than expected for a pathogenic variant. This variant has not been reported in the literature in individuals affected with ACTN1-related conditions. ClinVar contains an entry for this variant (Variation ID: 1336381). Invitae Evidence Modeling of protein sequence and biophysical properties (such as structural, functional, and spatial information, amino acid conservation, physicochemical variation, residue mobility, and thermodynamic stability) indicates that this missense variant is not expected to disrupt ACTN1 protein function with a negative predictive value of 80%. In summary, the available evidence is currently insufficient to determine the role of this variant in disease. Therefore, it has been classified as a Variant of Uncertain Significance.

Blueprint Genetics
Classification: Likely benign. Last evaluated: 2024-11-22. Review status: criteria provided, single submitter. Criteria: ACMG Guidelines, 2015. Collection method: clinical testing. Allele origin: germline.

Mayo Clinic Laboratories, Mayo Clinic
Classification: Uncertain significance. Last evaluated: 2024-04-18. Review status: criteria provided, single submitter. Criteria: ACMG Guidelines, 2015. Collection method: clinical testing. Allele origin: germline. Observed: 1 variant allele.
Comment: BP4, PP2, PM1_supporting

Johns Hopkins Genomics, Johns Hopkins University
Classification: Likely benign for Platelet-type bleeding disorder 15. Last evaluated: 2022-01-11. Review status: criteria provided, single submitter. Criteria: ACMG Guidelines, 2015. Collection method: clinical testing. Allele origin: germline.

Genetic Services Laboratory, University of Chicago
Classification: Likely benign. Last evaluated: 2021-06-18. Review status: criteria provided, single submitter. Criteria: ACMG Guidelines, 2015. Collection method: clinical testing. Allele origin: germline. Affected: no.

Literature cited by the submitters: PubMed 26453073 (cited by Johns Hopkins Genomics, Johns Hopkins University).

NM_001130004.2(ACTN1):c.580G>A (p.Gly194Arg)

Gene: ACTN1 (actinin alpha 1; minus strand). Cytogenetic location: 14q24.1.
Variant type: single nucleotide variant.
Coding change: c.580G>A on transcript NM_001130004.2 (MANE Select); coding-DNA position 580, G replaced by A.
Protein change: p.Gly194Arg; replaces glycine 194 with arginine.
Molecular consequence: missense variant.
Genome position (GRCh38, 1-based): chr14:68,909,332, C>T on the plus strand (G>A on the coding strand, the complement: ACTN1 is on the minus strand). VCF-style: chr14-68909332-C-T. GRCh37 (hg19) VCF-style: chr14-69376049-C-T.
Other names: p.Gly194Arg; c.580G>A, p.Gly194Arg (NM_001102.4, NM_001130005.2); short protein forms G194R.
Identifiers: ClinVar variation 1336381 (VCV001336381.10), dbSNP rs145918825, ClinGen allele CA7242651.